The following is an entry in ClinVar:

ClinVar aggregate classification (germline): Pathogenic (1 of 4 stars; one submission).

Conditions:
Hereditary pheochromocytoma and paraganglioma. Also called: Hereditary pheochromocytoma-paraganglioma; Hereditary paragangliomas and pheochromocytomas; Hereditary Paraganglioma-Pheochromocytoma Syndromes. Identifiers: Orphanet 29072, MedGen C4274332, MONDO:0017366.

Submission:

Labcorp Genetics (formerly Invitae), Labcorp
Classification: Pathogenic for Hereditary pheochromocytoma and paraganglioma. Last evaluated: 2019-05-01. Review status: criteria provided, single submitter. Criteria: Invitae Variant Classification Sherloc (09022015). Collection method: clinical testing. Allele origin: germline.
Comment: This sequence change results in a frameshift in the MAX gene (p.Gln82Thrfs*89). While this is not anticipated to result in nonsense mediated decay, it is expected to disrupt the last 79 amino acids of the MAX protein and extend the protein by an additional 9 amino acids. This variant is not present in population databases (ExAC no frequency). This variant has not been reported in the literature in individuals with MAX-related conditions. This variant disrupts the C-terminus of the MAX protein. Other variant(s) that disrupt this region (p.Gln97*) have been determined to be pathogenic (PMID: 29909963). This suggests that variants that disrupt this region of the protein are likely to be causative of disease. For these reasons, this variant has been classified as Pathogenic.

Literature cited by the submitters: PubMed 29909963.

NM_002382.5(MAX):c.242_243dup (p.Gln82fs)

Gene: MAX (MYC associated transcriptional regulator X; minus strand). Cytogenetic location: 14q23.3.
Variant type: Microsatellite.
Coding change: c.242_243dup on transcript NM_002382.5 (MANE Select); coding-DNA positions 242 to 243, 2 bases duplicated (AC; older notation c.242_243dupAC).
Protein change: p.Gln82fs; shifts the reading frame from glutamine 82.
Molecular consequence: frameshift variant. On other transcripts: 5 prime UTR variant (1), intron variant (2).
Genome position (GRCh38, 1-based): chr14:65,077,965-65,077,966, GT duplicated on the plus strand (AC on the coding strand, the reverse complement: MAX is on the minus strand); duplicating any 2 consecutive bases within chr14:65,077,965-65,077,973 gives the same sequence; the c. name uses the placement nearest the transcript's 3' end. VCF-style (leftmost placement, unchanged base first): chr14-65077964-G-GGT. GRCh37 (hg19) VCF-style: chr14-65544682-G-GGT.
Other names: c.-39AC[5] (NM_001320415.2); c.235_236CA[5], p.Gln82Thrfs (NM_001407094.1, NM_001407096.1, NM_001407097.1 and 2 more transcripts); c.208_209CA[5], p.Gln73Thrfs (NM_001407095.1, NM_001407099.1, NM_001407100.1 and 5 more transcripts); c.127_128CA[5], p.Gln46Thrfs (NM_001407098.1); c.-40_-39CA[5] (NM_001407105.1, NM_001407106.1, NM_001407107.1); c.-133_-132CA[5] (NM_001407111.1, NM_001407112.1); c.215_216dup, p.Gln73fs (NM_145112.3); c.242_243dup, p.Gln82fs (NM_145113.3); and 2 more; short protein forms Q73fs, Q82fs.
Identifiers: ClinVar variation 842127 (VCV000842127.10), dbSNP rs2063104408, ClinGen allele CA916081721.